The following is an entry in ClinVar:

ClinVar aggregate classification (germline): Benign/Likely benign. Review status: criteria provided, multiple submitters, no conflicts (2 of 4 stars). 7 submissions from 6 submitters: Benign (6); Likely benign (1). Last evaluated 2026-02-04.

Conditions:
Combined oxidative phosphorylation defect type 24. Also called: Combined oxidative phosphorylation deficiency 24. Identifiers: Orphanet 444458, MedGen C4015643, MONDO:0014547, OMIM 616239.
Hearing loss, autosomal recessive 94. Also called: Deafness, autosomal recessive 94. Identifiers: MedGen C5193096, MONDO:0032749, OMIM 618434.

Allele frequency attached by ClinVar (database versions not stated): 1000 Genomes Project 30x 0.64772; 1000 Genomes Project 0.65056; TOPMed 0.70130; gnomAD exomes 0.70625 and 0.76856; gnomAD 0.70916 and 0.71183; ExAC 0.71624; ESP Exome Variant Server 0.73417.
gnomAD v4.1: 1,226,258 of 1,609,114 alleles (76%); highest among the groups gnomAD compares: Non-Finnish European, 80%; 471,876 homozygotes.

Submissions (7):

Labcorp Genetics (formerly Invitae), Labcorp
Classification: Benign. Last evaluated: 2026-02-04. Review status: criteria provided, single submitter. Criteria: Invitae Variant Classification Sherloc (09022015). Collection method: clinical testing. Allele origin: germline.

Blueprint Genetics
Classification: Likely benign. Last evaluated: 2024-11-27. Review status: criteria provided, single submitter. Criteria: ACMG Guidelines, 2015. Collection method: clinical testing. Allele origin: germline.

Mayo Clinic Laboratories, Mayo Clinic
Classification: Benign. Last evaluated: 2022-10-27. Review status: criteria provided, single submitter. Criteria: ACMG Guidelines, 2015. Collection method: clinical testing. Allele origin: germline. Observed: 368 variant alleles.

Genome-Nilou Lab
Classification: Benign for Hearing loss, autosomal recessive 94. Last evaluated: 2021-09-05. Review status: criteria provided, single submitter. Criteria: ACMG Guidelines, 2015. Collection method: clinical testing. Allele origin: germline. Affected: no.

Genome-Nilou Lab
Classification: Benign for Combined oxidative phosphorylation defect type 24. Last evaluated: 2021-09-05. Review status: criteria provided, single submitter. Criteria: ACMG Guidelines, 2015. Collection method: clinical testing. Allele origin: germline. Affected: no.

GeneDx
Classification: Benign. Last evaluated: 2015-12-02. Review status: criteria provided, single submitter. Criteria: GeneDx Variant Classification (06012015). Collection method: clinical testing. Allele origin: germline. Affected: yes.
Comment: This variant is considered likely benign or benign based on one or more of the following criteria: it is a conservative change, it occurs at a poorly conserved position in the protein, it is predicted to be benign by multiple in silico algorithms, and/or has population frequency not consistent with disease.

Breakthrough Genomics
Classification: Benign. Review status: criteria provided, single submitter. Criteria: ACMG Guidelines, 2015. Collection method: not provided. Allele origin: germline. Inheritance: Autosomal recessive inheritance. Affected: yes.

NM_024678.6(NARS2):c.414T>C (p.Tyr138=)

Gene: NARS2 (asparaginyl-tRNA synthetase 2, mitochondrial; minus strand). Cytogenetic location: 11q14.1.
Variant type: single nucleotide variant.
Coding change: c.414T>C on transcript NM_024678.6 (MANE Select); coding-DNA position 414, T replaced by C.
Protein change: p.Tyr138=; no amino-acid change (tyrosine 138 retained).
Molecular consequence: synonymous variant. On other transcripts: 5 prime UTR variant (1).
Genome position (GRCh38, 1-based): chr11:78,566,231, A>G on the plus strand (T>C on the coding strand, the complement: NARS2 is on the minus strand). VCF-style: chr11-78566231-A-G. GRCh37 (hg19) VCF-style: chr11-78277277-A-G.
Other names: p.Tyr138=; c.-268T>C (NM_001243251.2).
Identifiers: ClinVar variation 380001 (VCV000380001.14), dbSNP rs10751296, ClinGen allele CA6205856.